The following is an entry in ClinVar:

ClinVar aggregate classification (germline): Benign (1 of 4 stars; one submission).

Conditions:
Deficiency of acetyl-CoA acetyltransferase. Also called: Beta-ketothiolase deficiency; 3-KETOTHIOLASE DEFICIENCY; 3-OXOTHIOLASE DEFICIENCY; MITOCHONDRIAL ACETOACETYL-CoA THIOLASE DEFICIENCY. Identifiers: Orphanet 134, MedGen C1536500, MONDO:0008760, OMIM 203750. Disease mechanism: loss of function.

Allele frequency attached by ClinVar (database versions not stated): gnomAD 0.01739 and 0.01843; 1000 Genomes Project 30x 0.02452; TOPMed 0.01982; 1000 Genomes Project 0.02356.

Submission:

Illumina Laboratory Services, Illumina
Classification: Benign for Deficiency of acetyl-CoA acetyltransferase. Last evaluated: 2018-01-13. Review status: criteria provided, single submitter. Criteria: ICSL Variant Classification Criteria 13 December 2019. Collection method: clinical testing. Allele origin: germline.
Comment: This variant was observed in the ICSL laboratory as part of a predisposition screen in an ostensibly healthy population. It had not been previously curated by ICSL or reported in the Human Gene Mutation Database (HGMD: prior to June 1st, 2018), and was therefore a candidate for classification through an automated scoring system. Utilizing variant allele frequency, disease prevalence and penetrance estimates, and inheritance mode, an automated score was calculated to assess if this variant is too frequent to cause the disease. Based on the score and internal cut-off values, a variant classified as benign is not then subjected to further curation. The score for this variant resulted in a classification of benign for this disease.

NM_000019.3(ACAT1):c.*555A>G

Gene: ACAT1 (acetyl-CoA acetyltransferase 1; plus strand). Cytogenetic location: 11q22.3.
Variant type: single nucleotide variant.
Coding change: c.*555A>G on transcript NM_000019.3; 555 bases downstream of the stop codon, A replaced by G.
Genome position (GRCh38, 1-based): chr11:108,147,945, A>G. VCF-style: chr11-108147945-A-G. GRCh37 (hg19) VCF-style: chr11-108018672-A-G.
Identifiers: ClinVar variation 302227 (VCV000302227.7), dbSNP rs111376037, ClinGen allele CA10633290.
Genomic context (GRCh38, chr11:108,147,945, plus strand): 5'-TACTAGAAACAAGACAGAAGCCCATGTCCTCAGGGTCTAGAGTGGGGGCAATTTCTTATA[A>G]CCTCAACATTCAGGGTTGGGGGAGGTCAAGCAGAAAACCCTGGAGTTTGGGCTCTGAATT-3'